The following is an entry in ClinVar:

ClinVar aggregate classification (germline): Benign. Review status: criteria provided, multiple submitters, no conflicts (2 of 4 stars). 3 submissions from 3 submitters: Benign (3). Last evaluated 2021-11-07.

Conditions:
Norman-Roberts syndrome (LIS2). Also called: Lissencephaly 2 (Norman-Roberts type). Identifiers: Orphanet 89844, MedGen C0796089, MONDO:0009760, OMIM 257320.

Allele frequency attached by ClinVar (database versions not stated): ESP Exome Variant Server 0.14093; TOPMed 0.14134; ExAC 0.14378; gnomAD 0.14519 and 0.14621; 1000 Genomes Project 0.14617; 1000 Genomes Project 30x 0.15069.
gnomAD v4.1: 128,218 of 1,112,190 alleles (12%); highest among the groups gnomAD compares: African/African-American, 22%; 8,219 homozygotes.

Submissions (3):

Genome-Nilou Lab
Classification: Benign for Norman-Roberts syndrome. Last evaluated: 2021-11-07. Review status: criteria provided, single submitter. Criteria: ACMG Guidelines, 2015. Collection method: clinical testing. Allele origin: germline. Affected: no.

GeneDx
Classification: Benign. Last evaluated: 2018-06-19. Review status: criteria provided, single submitter. Criteria: GeneDx Variant Classification (06012015). Collection method: clinical testing. Allele origin: germline. Affected: yes.
Comment: This variant is considered likely benign or benign based on one or more of the following criteria: it is a conservative change, it occurs at a poorly conserved position in the protein, it is predicted to be benign by multiple in silico algorithms, and/or has population frequency not consistent with disease.

Breakthrough Genomics
Classification: Benign. Review status: criteria provided, single submitter. Criteria: ACMG Guidelines, 2015. Collection method: not provided. Allele origin: germline. Inheritance: Autosomal recessive inheritance. Affected: yes.

NM_005045.4(RELN):c.9443+45C>A

Genes: SLC26A5-AS1 (SLC26A5 antisense RNA 1; plus strand), RELN (reelin; minus strand). Cytogenetic location: 7q22.1.
Variant type: single nucleotide variant.
Coding change: c.9443+45C>A on transcript NM_005045.4 (MANE Select); 45 bases into the intron after coding-DNA position 9443, C replaced by A.
Molecular consequence: intron variant.
Genome position (GRCh38, 1-based): chr7:103,491,908, G>T on the plus strand (C>A on the coding strand, the complement: RELN is on the minus strand). VCF-style: chr7-103491908-G-T. GRCh37 (hg19) VCF-style: chr7-103132355-G-T.
Other names: c.9443+45C>A (NM_173054.3).
Identifiers: ClinVar variation 675572 (VCV000675572.4), dbSNP rs17151558, ClinGen allele CA4420218.